The following is an entry in ClinVar:

NM_001286577.2(C2CD3):c.5720C>T (p.Pro1907Leu)

Genes: C2CD3 (C2 domain containing 3 centriole elongation regulator; minus strand), LOC126861262 (CDK7 strongly-dependent group 2 enhancer GRCh37_chr11:73747696-73748895; plus strand). Cytogenetic location: 11q13.4.
Variant type: single nucleotide variant.
Coding change: c.5720C>T on transcript NM_001286577.2 (MANE Select); coding-DNA position 5720, C replaced by T.
Protein change: p.Pro1907Leu; replaces proline 1907 with leucine.
Molecular consequence: missense variant.
Genome position (GRCh38, 1-based): chr11:74,037,639, G>A on the plus strand (C>T on the coding strand, the complement: C2CD3 is on the minus strand). VCF-style: chr11-74037639-G-A. GRCh37 (hg19) VCF-style: chr11-73748684-G-A.
Other names: c.5720C>T, p.Pro1907Leu (NM_015531.6); short protein forms P1907L.
Identifiers: ClinVar variation 2419484 (VCV002419484.5), dbSNP rs144462559, ClinGen allele CA6181787.
Genomic context (GRCh38, chr11:74,037,639, plus strand): 5'-CTACAGCTCTCCTGGTGCTGTGAGATGGCCGTTTGAGTCTGAGGGCTGAGGGGTAGGAAA[G>A]GCTTGGTGAGCTTCTGGCGGAAGTACCTCTGAATCTGATCAAGCTCACTCAGATTCTTCC-3'
Protein context (NP_001273506.1, residues 1897-1917): QRYFRQKLTK[Pro1907Leu]FLPLSPQTQT

ClinVar aggregate classification (germline): Uncertain significance (1 of 4 stars; one submission).

Allele frequency attached by ClinVar (database versions not stated): TOPMed 0.00002; ExAC 0.00004; ESP Exome Variant Server 0.00008.
gnomAD v4.1: 45 of 1,613,976 alleles (0.0028%); highest among the groups gnomAD compares: Non-Finnish European, 0.00034%; no homozygotes.

Submission:

Labcorp Genetics (formerly Invitae), Labcorp
Classification: Uncertain significance. Last evaluated: 2023-11-27. Review status: criteria provided, single submitter. Criteria: Invitae Variant Classification Sherloc (09022015). Collection method: clinical testing. Allele origin: germline.
Comment: This sequence change replaces proline, which is neutral and non-polar, with leucine, which is neutral and non-polar, at codon 1907 of the C2CD3 protein (p.Pro1907Leu). This variant is present in population databases (rs144462559, gnomAD 0.1%). This variant has not been reported in the literature in individuals affected with C2CD3-related conditions. ClinVar contains an entry for this variant (Variation ID: 2419484). Advanced modeling of protein sequence and biophysical properties (such as structural, functional, and spatial information, amino acid conservation, physicochemical variation, residue mobility, and thermodynamic stability) performed at Invitae indicates that this missense variant is expected to disrupt C2CD3 protein function with a positive predictive value of 80%. In summary, the available evidence is currently insufficient to determine the role of this variant in disease. Therefore, it has been classified as a Variant of Uncertain Significance.